The following is an entry in ClinVar:

ClinVar aggregate classification (germline): Uncertain significance. Review status: criteria provided, multiple submitters, no conflicts (2 of 4 stars). 2 submissions from 2 submitters: Uncertain significance (2). Last evaluated 2025-06-25.

Allele frequency attached by ClinVar (database versions not stated): TOPMed 0.00002; gnomAD exomes 0.00006; ExAC 0.00012.
gnomAD v4.1: 98 of 1,613,686 alleles (0.0061%); highest among the groups gnomAD compares: South Asian, 0.089%; 1 homozygote.

Submissions (2):

Labcorp Genetics (formerly Invitae), Labcorp
Classification: Uncertain significance. Last evaluated: 2025-06-25. Review status: criteria provided, single submitter. Criteria: Invitae Variant Classification Sherloc (09022015). Collection method: clinical testing. Allele origin: germline.
Comment: This sequence change replaces arginine, which is basic and polar, with tryptophan, which is neutral and slightly polar, at codon 287 of the TOP1MT protein (p.Arg287Trp). This variant is present in population databases (rs763441442, gnomAD 0.09%), and has an allele count higher than expected for a pathogenic variant. This variant has not been reported in the literature in individuals affected with TOP1MT-related conditions. ClinVar contains an entry for this variant (Variation ID: 3181172). Invitae Evidence Modeling of protein sequence and biophysical properties (such as structural, functional, and spatial information, amino acid conservation, physicochemical variation, residue mobility, and thermodynamic stability) indicates that this missense variant is expected to disrupt TOP1MT protein function with a positive predictive value of 80%. In summary, the available evidence is currently insufficient to determine the role of this variant in disease. Therefore, it has been classified as a Variant of Uncertain Significance.

Ambry Genetics
Classification: Uncertain significance. Last evaluated: 2024-01-16. Review status: criteria provided, single submitter. Criteria: Ambry Variant Classification Scheme 2023. Collection method: clinical testing. Allele origin: germline.

NM_052963.3(TOP1MT):c.859C>T (p.Arg287Trp)

Gene: TOP1MT (DNA topoisomerase I mitochondrial; minus strand). Cytogenetic location: 8q24.3.
Variant type: single nucleotide variant.
Coding change: c.859C>T on transcript NM_052963.3 (MANE Select); coding-DNA position 859, C replaced by T.
Protein change: p.Arg287Trp; replaces arginine 287 with tryptophan.
Molecular consequence: missense variant.
Genome position (GRCh38, 1-based): chr8:143,324,100, G>A on the plus strand (C>T on the coding strand, the complement: TOP1MT is on the minus strand). VCF-style: chr8-143324100-G-A. GRCh37 (hg19) VCF-style: chr8-144406270-G-A.
Other names: c.565C>T, p.Arg189Trp (NM_001258446.1, NM_001258447.1); short protein forms R287W, R189W.
Identifiers: ClinVar variation 3181172 (VCV003181172.2), dbSNP rs763441442, ClinGen allele CA4908649.